The following is an entry in ClinVar:

ClinVar aggregate classification (germline): Uncertain significance. Review status: criteria provided, multiple submitters, no conflicts (2 of 4 stars). 3 submissions from 3 submitters: Uncertain significance (3). Last evaluated 2025-10-08.

Conditions:
Familial adenomatous polyposis 1 (FAP1). Also called: POLYPOSIS, ADENOMATOUS INTESTINAL; FAMILIAL ADENOMATOUS POLYPOSIS 1, ATTENUATED. Identifiers: MedGen C2713442, MONDO:0021056, OMIM 175100. Disease mechanism: loss of function.
Hereditary cancer-predisposing syndrome. Also called: Hereditary neoplastic syndrome; Neoplastic Syndromes, Hereditary; Tumor predisposition; Hereditary Cancer Syndrome. Identifiers: Orphanet 140162, MedGen C0027672, MeSH D009386, MONDO:0015356.
Classic or attenuated familial adenomatous polyposis. Identifiers: MedGen CN372698, MONDO:0021057.

Allele frequency attached by ClinVar (database versions not stated): gnomAD exomes below 0.00001.
gnomAD v4.1: 2 of 1,613,978 alleles (0.00012%); highest among the groups gnomAD compares: Non-Finnish European, 0.00017%; no homozygotes.

Submissions (3):

Labcorp Genetics (formerly Invitae), Labcorp
Classification: Uncertain significance for Familial adenomatous polyposis 1. Last evaluated: 2025-10-08. Review status: criteria provided, single submitter. Criteria: Invitae Variant Classification Sherloc (09022015). Collection method: clinical testing. Allele origin: germline.
Comment: This sequence change replaces serine, which is neutral and polar, with isoleucine, which is neutral and non-polar, at codon 2390 of the APC protein (p.Ser2390Ile). This variant is not present in population databases (gnomAD no frequency). This variant has not been reported in the literature in individuals affected with APC-related conditions. ClinVar contains an entry for this variant (Variation ID: 470081). Invitae Evidence Modeling of protein sequence and biophysical properties (such as structural, functional, and spatial information, amino acid conservation, physicochemical variation, residue mobility, and thermodynamic stability) indicates that this missense variant is not expected to disrupt APC protein function with a negative predictive value of 95%. In summary, the available evidence is currently insufficient to determine the role of this variant in disease. Therefore, it has been classified as a Variant of Uncertain Significance.

Ambry Genetics
Classification: Uncertain significance for Hereditary cancer-predisposing syndrome. Last evaluated: 2025-10-01. Review status: criteria provided, single submitter. Criteria: Ambry Variant Classification Scheme 2023. Collection method: clinical testing. Allele origin: germline.
Comment: The p.S2390I variant (also known as c.7169G>T), located in coding exon 15 of the APC gene, results from a G to T substitution at nucleotide position 7169. The serine at codon 2390 is replaced by isoleucine, an amino acid with dissimilar properties. This amino acid position is not well conserved in available vertebrate species. In addition, in silico predictors for this gene do not accurately predict pathogenicity. Missense variants in APC are not a common cause of disease (Spier I et al. Genet Med. 2024 Feb;26(2):100992). Based on the available evidence, the clinical significance of this variant remains unclear.

All of Us Research Program, National Institutes of Health
Classification: Uncertain significance for Classic or attenuated familial adenomatous polyposis. Last evaluated: 2023-12-13. Review status: criteria provided, single submitter. Criteria: ACMG Guidelines, 2015. Collection method: clinical testing. Allele origin: germline. Inheritance: Autosomal dominant inheritance. Observed: 1 variant allele, 1 heterozygote.
Comment: This missense variant replaces serine with isoleucine at codon 2390 of the APC protein. Computational prediction suggests that this variant may not impact protein structure and function (internally defined REVEL score threshold <= 0.5, PMID: 27666373). To our knowledge, functional studies have not been reported for this variant. This variant has not been reported in individuals affected with APC-related disorders in the literature. This variant has not been identified in the general population by the Genome Aggregation Database (gnomAD). The available evidence is insufficient to determine the role of this variant in disease conclusively. Therefore, this variant is classified as a Variant of Uncertain Significance.

This study involves interpretation of variants in research participants for the purpose of population health screening. Participant phenotype was not available at the time of variant classification. Additional details can be found in publication PMID: 35346344, PMCID: PMC8962531

NM_000038.6(APC):c.7169G>T (p.Ser2390Ile)

Gene: APC (APC regulator of Wnt signaling pathway; plus strand). Cytogenetic location: 5q22.2.
Variant type: single nucleotide variant.
Coding change: c.7169G>T on transcript NM_000038.6 (MANE Select); coding-DNA position 7169, G replaced by T.
Protein change: p.Ser2390Ile; replaces serine 2390 with isoleucine.
Molecular consequence: missense variant.
Genome position (GRCh38, 1-based): chr5:112,842,763, G>T. VCF-style: chr5-112842763-G-T. GRCh37 (hg19) VCF-style: chr5-112178460-G-T.
Other names: c.7169G>T, p.Ser2390Ile (NM_001127510.3, NM_001354895.2); c.7115G>T, p.Ser2372Ile (NM_001127511.3); c.7223G>T, p.Ser2408Ile (NM_001354896.2); c.7199G>T, p.Ser2400Ile (NM_001354897.2); c.7094G>T, p.Ser2365Ile (NM_001354898.2); c.7085G>T, p.Ser2362Ile (NM_001354899.2); c.7046G>T, p.Ser2349Ile (NM_001354900.2); c.6992G>T, p.Ser2331Ile (NM_001354901.2); and 5 more; short protein forms S2372I, S2390I, S2107I, S2299I, S2362I, S2230I, S2264I, S2289I.
Identifiers: ClinVar variation 470081 (VCV000470081.12), dbSNP rs1554088097, ClinGen allele CA16036946.